The following is an entry in ClinVar:

NM_000393.5(COL5A2):c.3299G>C (p.Arg1100Thr)

Gene: COL5A2 (collagen type V alpha 2 chain; minus strand). Cytogenetic location: 2q32.2.
Variant type: single nucleotide variant.
Coding change: c.3299G>C on transcript NM_000393.5 (MANE Select); coding-DNA position 3299, G replaced by C.
Protein change: p.Arg1100Thr; replaces arginine 1100 with threonine.
Molecular consequence: missense variant.
Genome position (GRCh38, 1-based): chr2:189,045,810, C>G on the plus strand (G>C on the coding strand, the complement: COL5A2 is on the minus strand). VCF-style: chr2-189045810-C-G. GRCh37 (hg19) VCF-style: chr2-189910536-C-G.
Other names: short protein forms R1100T.
Identifiers: ClinVar variation 1369950 (VCV001369950.7), dbSNP rs942673350, ClinGen allele CA62589988.
Genomic context (GRCh38, chr2:189,045,810, plus strand): 5'-TAGCATATGGGTGTGCAAAACTGTCAGTGTGAAATTGACTCCCTCCTTACCGGATCTCCT[C>G]TTTGTCCTGCATCTCCTGGAGCACCCACAGGGCCAGGAGTTCCAGGGGCACCCTGAGAGC-3'
Protein context (NP_000384.2, residues 1090-1110): PVGAPGDAGQ[Arg1100Thr]GDPGSRGPIG

ClinVar aggregate classification (germline): Uncertain significance (1 of 4 stars; one submission).

Conditions:
Ehlers-Danlos syndrome, classic type, 1 (EDSCL1). Also called: EHLERS-DANLOS SYNDROME, GRAVIS TYPE; EHLERS-DANLOS SYNDROME, SEVERE CLASSIC TYPE; Ehlers-Danlos syndrome, type 1; EDS I; Ehlers-Danlos Syndrome, Classic Type, COL5A1-Related. Identifiers: MedGen C0268335, MONDO:0019567, OMIM 130000.

Allele frequency attached by ClinVar (database versions not stated): gnomAD exomes 0.00001; TOPMed below 0.00001; gnomAD 0.00001.
gnomAD v4.1: 10 of 1,613,982 alleles (0.00062%); highest among the groups gnomAD compares: African/African-American, 0.0027%; no homozygotes.

Submission:

Labcorp Genetics (formerly Invitae), Labcorp
Classification: Uncertain significance for Ehlers-Danlos syndrome, classic type, 1. Last evaluated: 2023-09-29. Review status: criteria provided, single submitter. Criteria: Invitae Variant Classification Sherloc (09022015). Collection method: clinical testing. Allele origin: germline.
Comment: In summary, the available evidence is currently insufficient to determine the role of this variant in disease. Therefore, it has been classified as a Variant of Uncertain Significance. Advanced modeling of protein sequence and biophysical properties (such as structural, functional, and spatial information, amino acid conservation, physicochemical variation, residue mobility, and thermodynamic stability) performed at Invitae indicates that this missense variant is not expected to disrupt COL5A2 protein function. ClinVar contains an entry for this variant (Variation ID: 1369950). This variant has not been reported in the literature in individuals affected with COL5A2-related conditions. This variant is not present in population databases (gnomAD no frequency). This sequence change replaces arginine, which is basic and polar, with threonine, which is neutral and polar, at codon 1100 of the COL5A2 protein (p.Arg1100Thr).